The following is an entry in ClinVar:

NM_016507.4(CDK12):c.2185A>G (p.Ile729Val)

Gene: CDK12 (cyclin dependent kinase 12; plus strand). Cytogenetic location: 17q12.
Variant type: single nucleotide variant.
Coding change: c.2185A>G on transcript NM_016507.4 (MANE Select); coding-DNA position 2185, A replaced by G.
Protein change: p.Ile729Val; replaces isoleucine 729 with valine.
Molecular consequence: missense variant.
Genome position (GRCh38, 1-based): chr17:39,492,827, A>G. VCF-style: chr17-39492827-A-G. GRCh37 (hg19) VCF-style: chr17-37649080-A-G.
Other names: c.2185A>G, p.Ile729Val (NM_015083.4); short protein forms I729V.
Identifiers: ClinVar variation 3830339 (VCV003830339.1).

ClinVar aggregate classification (germline): Uncertain significance (1 of 4 stars; one submission).

gnomAD v4.1: 3 of 1,613,404 alleles (0.00019%); highest among the groups gnomAD compares: South Asian, 0.0011%; no homozygotes.

Submission:

Ambry Genetics
Classification: Uncertain significance. Last evaluated: 2024-12-14. Review status: criteria provided, single submitter. Criteria: Ambry Variant Classification Scheme 2023. Collection method: clinical testing. Allele origin: germline.
Comment: The p.I729V variant (also known as c.2185A>G), located in coding exon 4 of the CDK12 gene, results from an A to G substitution at nucleotide position 2185. The isoleucine at codon 729 is replaced by valine, an amino acid with highly similar properties. This amino acid position is conserved. In addition, this alteration is predicted to be tolerated by in silico analysis. Based on the available evidence, the clinical significance of this variant remains unclear.